The following is an entry in ClinVar:

NM_006744.4(RBP4):c.382G>A (p.Asp128Asn)

Gene: RBP4 (retinol binding protein 4; minus strand). Cytogenetic location: 10q23.33.
Variant type: single nucleotide variant.
Coding change: c.382G>A on transcript NM_006744.4 (MANE Select); coding-DNA position 382, G replaced by A.
Protein change: p.Asp128Asn; replaces aspartic acid 128 with asparagine.
Molecular consequence: missense variant.
Genome position (GRCh38, 1-based): chr10:93,594,009, C>T on the plus strand (G>A on the coding strand, the complement: RBP4 is on the minus strand). VCF-style: chr10-93594009-C-T. GRCh37 (hg19) VCF-style: chr10-95353766-C-T.
Other names: c.382G>A, p.Asp128Asn (NM_001323517.1); c.376G>A, p.Asp126Asn (NM_001323518.2); short protein forms D126N, D128N.
Identifiers: ClinVar variation 3609398 (VCV003609398.2).
Genomic context (GRCh38, chr10:93,594,009, plus strand): 5'-CACAGGTGCCATCGAGGTTCAGGAGGCGGCAGGAGTACTGCACGGCATACGTGTCGTAGT[C>T]TGTGTCGACGATCCAGTGGTCATCATCTGCAAGCCAGAAAGCCACCATGCCGATCAATGC-3'
Protein context (NP_006735.2, residues 118-138): GNDDHWIVDT[Asp128Asn]YDTYAVQYSC

ClinVar aggregate classification (germline): Uncertain significance (1 of 4 stars; one submission).

gnomAD v4.1: 5 of 1,613,740 alleles (0.00031%); highest among the groups gnomAD compares: Admixed American, 0.005%; no homozygotes.

Submission:

Labcorp Genetics (formerly Invitae), Labcorp
Classification: Uncertain significance. Last evaluated: 2025-10-01. Review status: criteria provided, single submitter. Criteria: Invitae Variant Classification Sherloc (09022015). Collection method: clinical testing. Allele origin: germline.
Comment: This sequence change replaces aspartic acid, which is acidic and polar, with asparagine, which is neutral and polar, at codon 128 of the RBP4 protein (p.Asp128Asn). This variant is present in population databases (rs759375642, gnomAD 0.006%). This variant has not been reported in the literature in individuals affected with RBP4-related conditions. ClinVar contains an entry for this variant (Variation ID: 3609398). An algorithm developed to predict the effect of missense changes on protein structure and function (PolyPhen-2) suggests that this variant is likely to be disruptive. In summary, the available evidence is currently insufficient to determine the role of this variant in disease. Therefore, it has been classified as a Variant of Uncertain Significance.